The following is an entry in ClinVar:

NM_002473.6(MYH9):c.5597A>G (p.Asp1866Gly)

Gene: MYH9 (myosin heavy chain 9; minus strand). Cytogenetic location: 22q12.3.
Variant type: single nucleotide variant.
Coding change: c.5597A>G on transcript NM_002473.6 (MANE Select); coding-DNA position 5597, A replaced by G.
Protein change: p.Asp1866Gly; replaces aspartic acid 1866 with glycine.
Molecular consequence: missense variant.
Genome position (GRCh38, 1-based): chr22:36,284,261, T>C on the plus strand (A>G on the coding strand, the complement: MYH9 is on the minus strand). VCF-style: chr22-36284261-T-C. GRCh37 (hg19) VCF-style: chr22-36680307-T-C.
Other names: short protein forms D1866G.
Identifiers: ClinVar variation 2100602 (VCV002100602.4), dbSNP rs2517945618, ClinGen allele CA411372806.

ClinVar aggregate classification (germline): Uncertain significance (1 of 4 stars; one submission).

Submission:

Labcorp Genetics (formerly Invitae), Labcorp
Classification: Uncertain significance. Last evaluated: 2022-03-23. Review status: criteria provided, single submitter. Criteria: Invitae Variant Classification Sherloc (09022015). Collection method: clinical testing. Allele origin: germline.
Comment: This variant is not present in population databases (gnomAD no frequency). This sequence change replaces aspartic acid, which is acidic and polar, with glycine, which is neutral and non-polar, at codon 1866 of the MYH9 protein (p.Asp1866Gly). This variant has not been reported in the literature in individuals affected with MYH9-related conditions. In summary, the available evidence is currently insufficient to determine the role of this variant in disease. Therefore, it has been classified as a Variant of Uncertain Significance. Algorithms developed to predict the effect of missense changes on protein structure and function (SIFT, PolyPhen-2, Align-GVGD) all suggest that this variant is likely to be tolerated.